The following is an entry in ClinVar:

NM_198525.3(KIF7):c.3815C>T (p.Pro1272Leu)

Gene: KIF7 (kinesin family member 7; minus strand). Cytogenetic location: 15q26.1.
Variant type: single nucleotide variant.
Coding change: c.3815C>T on transcript NM_198525.3 (MANE Select); coding-DNA position 3815, C replaced by T.
Protein change: p.Pro1272Leu; replaces proline 1272 with leucine.
Molecular consequence: missense variant.
Genome position (GRCh38, 1-based): chr15:89,628,636, G>A on the plus strand (C>T on the coding strand, the complement: KIF7 is on the minus strand). VCF-style: chr15-89628636-G-A. GRCh37 (hg19) VCF-style: chr15-90171867-G-A.
Other names: short protein forms P1272L.
Identifiers: ClinVar variation 1518378 (VCV001518378.8), dbSNP rs765907353, ClinGen allele CA7727518.

ClinVar aggregate classification (germline): Uncertain significance. Review status: criteria provided, multiple submitters, no conflicts (2 of 4 stars). 3 submissions from 3 submitters: Uncertain significance (3). Last evaluated 2024-11-05.

Conditions:
Acrocallosal syndrome (ACLS). Also called: Schinzel syndrome 1; Absence of corpus callosum with unusual facial appearance, mental deficiency, duplication of the halluces and polydactyly; HALLUX DUPLICATION, POSTAXIAL POLYDACTYLY, AND ABSENCE OF CORPUS CALLOSUM. Identifiers: Orphanet 36, MedGen C0796147, MONDO:0008708, OMIM 200990.
Multiple epiphyseal dysplasia, Al-Gazali type. Also called: Macrocephaly with multiple epiphyseal dysplasia and distinctive facies. Identifiers: Orphanet 166024, MedGen C1846722, MONDO:0011778, OMIM 607131.
Hydrolethalus syndrome 2 (HLS2). Identifiers: Orphanet 2189, MedGen C3279899, MONDO:0013585, OMIM 614120.

Allele frequency attached by ClinVar (database versions not stated): ExAC 0.00002; gnomAD 0.00003 and 0.00004; TOPMed 0.00003; gnomAD exomes 0.00004.
gnomAD v4.1: 69 of 1,613,104 alleles (0.0043%); highest among the groups gnomAD compares: Middle Eastern, 0.016%; no homozygotes.

Submissions (3):

Labcorp Genetics (formerly Invitae), Labcorp
Classification: Uncertain significance for Acrocallosal syndrome. Last evaluated: 2024-11-05. Review status: criteria provided, single submitter. Criteria: Invitae Variant Classification Sherloc (09022015). Collection method: clinical testing. Allele origin: germline.
Comment: This sequence change replaces proline, which is neutral and non-polar, with leucine, which is neutral and non-polar, at codon 1272 of the KIF7 protein (p.Pro1272Leu). This variant is present in population databases (rs765907353, gnomAD 0.006%). This variant has not been reported in the literature in individuals affected with KIF7-related conditions. ClinVar contains an entry for this variant (Variation ID: 1518378). Invitae Evidence Modeling of protein sequence and biophysical properties (such as structural, functional, and spatial information, amino acid conservation, physicochemical variation, residue mobility, and thermodynamic stability) has been performed for this missense variant. However, the output from this modeling did not meet the statistical confidence thresholds required to predict the impact of this variant on KIF7 protein function. In summary, the available evidence is currently insufficient to determine the role of this variant in disease. Therefore, it has been classified as a Variant of Uncertain Significance.

Fulgent Genetics
Classification: Uncertain significance for Acrocallosal syndrome; Multiple epiphyseal dysplasia, Al-Gazali type; Hydrolethalus syndrome 2. Last evaluated: 2024-04-07. Review status: criteria provided, single submitter. Criteria: ACMG Guidelines, 2015. Collection method: clinical testing. Allele origin: germline.

Blueprint Genetics
Classification: Uncertain significance. Last evaluated: 2022-12-27. Review status: criteria provided, single submitter. Criteria: ACMG Guidelines, 2015. Collection method: clinical testing. Allele origin: germline.